The following is an entry in ClinVar:

ClinVar aggregate classification (germline): Conflicting classifications of pathogenicity. Review status: criteria provided, conflicting classifications (1 of 4 stars). 2 submissions from 2 submitters: Uncertain significance (1); Likely benign (1). Last evaluated 2023-12-04.

Conditions:
Hereditary cancer-predisposing syndrome. Also called: Neoplastic Syndromes, Hereditary; Tumor predisposition; Hereditary Cancer Syndrome; Hereditary neoplastic syndrome. Identifiers: Orphanet 140162, MedGen C0027672, MeSH D009386, MONDO:0015356.

Submissions (2):

Color Diagnostics, LLC DBA Color Health
Classification: Uncertain significance for Hereditary cancer-predisposing syndrome. Last evaluated: 2023-12-04. Review status: criteria provided, single submitter. Criteria: ACMG Guidelines, 2015. Collection method: clinical testing. Allele origin: germline.
Comment: This missense variant replaces serine with tyrosine at codon 2012 of the BRCA2 protein. Computational prediction suggests that this variant may not impact protein structure and function (internally defined REVEL score threshold <= 0.5, PMID: 27666373). To our knowledge, functional studies have not been reported for this variant. This variant has not been reported in individuals affected with BRCA2-related disorders in the literature. This variant has not been identified in the general population by the Genome Aggregation Database (gnomAD). The available evidence is insufficient to determine the role of this variant in disease conclusively. Therefore, this variant is classified as a Variant of Uncertain Significance.

University of Washington Department of Laboratory Medicine, University of Washington
Classification: Likely benign for Hereditary cancer-predisposing syndrome. Last evaluated: 2023-03-23. Review status: criteria provided, single submitter. Criteria: Dines et al. (Genet Med. 2020). Collection method: curation. Allele origin: germline.
Comment: Missense variant in a coldspot region where missense variants are very unlikely to be pathogenic (PMID:31911673).

BRCA2 exon 11 coldspot. Reclassification based on statistical prior probability.

NM_000059.4(BRCA2):c.6035C>A (p.Ser2012Tyr)

Gene: BRCA2 (BRCA2 DNA repair associated; plus strand). Cytogenetic location: 13q13.1.
Variant type: single nucleotide variant.
Coding change: c.6035C>A on transcript NM_000059.4 (MANE Select); coding-DNA position 6035, C replaced by A.
Protein change: p.Ser2012Tyr; replaces serine 2012 with tyrosine.
Molecular consequence: missense variant.
Genome position (GRCh38, 1-based): chr13:32,340,390, C>A. VCF-style: chr13-32340390-C-A. GRCh37 (hg19) VCF-style: chr13-32914527-C-A.
Other names: short protein forms S2012Y.
Identifiers: ClinVar variation 924781 (VCV000924781.6), dbSNP rs2072544727, ClinGen allele CA387787807.